The following is an entry in ClinVar:

ClinVar aggregate classification (germline): Conflicting classifications of pathogenicity. Review status: criteria provided, conflicting classifications (1 of 4 stars). 2 submissions from 2 submitters: Uncertain significance (1); Likely benign (1). Last evaluated 2025-03-01.

Conditions:
Global developmental delay with or without impaired intellectual development. Identifiers: MedGen C5193032, MONDO:0032680, OMIM 618330.

gnomAD v4.1: 62 of 1,613,524 alleles (0.0038%); highest among the groups gnomAD compares: Middle Eastern, 0.05%; no homozygotes.

Submissions (2):

CeGaT Center for Human Genetics Tuebingen
Classification: Likely benign. Last evaluated: 2025-03-01. Review status: criteria provided, single submitter. Criteria: CeGaT Center For Human Genetics Tuebingen Variant Classification Criteria Version 2. Collection method: clinical testing. Allele origin: germline. Affected: yes. Observed: 1 variant allele.
Comment: CUX1: BP4

Department of Pathology and Laboratory Medicine, Sinai Health System
Classification: Uncertain significance for global developmental delay with or without impaired intellectual development. Last evaluated: 2022-10-07. Review status: criteria provided, single submitter. Criteria: ACMG Guidelines, 2015. Collection method: research. Allele origin: germline.

NM_001913.5(CUX1):c.1400G>A (p.Arg467His)

Gene: CUX1 (cut like homeobox 1; plus strand). Cytogenetic location: 7q22.1.
Variant type: single nucleotide variant.
Coding change: c.1400G>A on transcript NM_001913.5 (MANE Plus Clinical); coding-DNA position 1400, G replaced by A.
Protein change: p.Arg467His; replaces arginine 467 with histidine.
Molecular consequence: missense variant.
Genome position (GRCh38, 1-based): chr7:102,274,260, G>A. VCF-style: chr7-102274260-G-A. GRCh37 (hg19) VCF-style: chr7-101917531-G-A.
Other names: c.1352G>A, p.Arg451His (NM_001202544.3); c.1262G>A, p.Arg421His (NM_001202545.3); c.1283G>A, p.Arg428His (NM_001202546.3); c.1394G>A, p.Arg465His (NM_181500.4); short protein forms R421H, R428H, R451H, R465H, R467H.
Identifiers: ClinVar variation 3771291 (VCV003771291.14).
Genomic context (GRCh38, chr7:102,274,260, plus strand): 5'-CCATTGTGCGGAGGCACCTCCTCATCGCTTCCTGTCACCTGCAGGGTGCCGCTGAGCACC[G>A]CCTGGAGAAGATCCCAGAGCCCATCAAAGAGGCCACTGCCCTATTCTACGGTAAGGAGAG-3'
Protein context (NP_001904.2, residues 457-477): RPDAEGAAEH[Arg467His]LEKIPEPIKE